The following is an entry in ClinVar:

NM_000059.4(BRCA2):c.648A>G (p.Ala216=)

Gene: BRCA2 (BRCA2 DNA repair associated; plus strand). Cytogenetic location: 13q13.1.
Variant type: single nucleotide variant.
Coding change: c.648A>G on transcript NM_000059.4 (MANE Select); coding-DNA position 648, A replaced by G.
Protein change: p.Ala216=; no amino-acid change (alanine 216 retained).
Molecular consequence: synonymous variant.
Genome position (GRCh38, 1-based): chr13:32,329,459, A>G. VCF-style: chr13-32329459-A-G. GRCh37 (hg19) VCF-style: chr13-32903596-A-G.
Identifiers: ClinVar variation 382346 (VCV000382346.18), dbSNP rs1057521337, ClinGen allele CA16606651.
Genomic context (GRCh38, chr13:32,329,459, plus strand): 5'-ATTCTAGTGATAATATACAATACACATAAATTTTTATCTTACAGTCAGAAATGAAGAAGC[A>G]TCTGAAACTGTATTTCCTCATGATACTACTGCTGTAAGTAAATATGACATTGATTAGACT-3'
Protein context (NP_000050.3, residues 206-226): STVLIVRNEE[Ala216=]SETVFPHDTT

ClinVar aggregate classification (germline): Likely benign. Review status: criteria provided, multiple submitters, no conflicts (2 of 4 stars). 6 submissions from 6 submitters: Likely benign (6). Last evaluated 2025-08-25.

Conditions:
Hereditary cancer-predisposing syndrome. Also called: Hereditary neoplastic syndrome; Tumor predisposition; Neoplastic Syndromes, Hereditary; Hereditary Cancer Syndrome. Identifiers: Orphanet 140162, MedGen C0027672, MeSH D009386, MONDO:0015356.
Hereditary breast ovarian cancer syndrome. Also called: Breast and ovarian cancer; Hereditary breast and ovarian cancer syndrome; Hereditary breast and ovarian cancer; Hereditary breast and/or ovarian cancer syndrome; Hereditary breast and ovarian cancer syndrome (HBOC); BRCA1- and BRCA2-Associated Hereditary Breast and Ovarian Cancer. Identifiers: Orphanet 145, MedGen C0677776, MeSH D061325, MONDO:0003582. Disease mechanism: loss of function.
Breast-ovarian cancer, familial, susceptibility to, 2 (BROVCA2). Also called: BRCA2 Hereditary Breast and Ovarian Cancer. Identifiers: Orphanet 145, MedGen C2675520, MONDO:0012933, OMIM 612555. Disease mechanism: loss of function.

Allele frequency attached by ClinVar (database versions not stated): gnomAD 0.00001.

Submissions (6):

Labcorp Genetics (formerly Invitae), Labcorp
Classification: Likely benign for Hereditary breast ovarian cancer syndrome. Last evaluated: 2025-08-25. Review status: criteria provided, single submitter. Criteria: Invitae Variant Classification Sherloc (09022015). Collection method: clinical testing. Allele origin: germline.

All of Us Research Program, National Institutes of Health
Classification: Likely benign for Breast-ovarian cancer, familial, susceptibility to, 2. Last evaluated: 2023-08-15. Review status: criteria provided, single submitter. Criteria: ACMG Guidelines, 2015. Collection method: clinical testing. Allele origin: germline. Inheritance: Autosomal dominant inheritance. Observed: 1 variant allele, 1 heterozygote.
Comment: This study involves interpretation of variants in research participants for the purpose of population health screening. Participant phenotype was not available at the time of variant classification. Additional details can be found in publication PMID: 35346344, PMCID: PMC8962531

Quest Diagnostics Nichols Institute San Juan Capistrano
Classification: Likely benign. Last evaluated: 2022-12-12. Review status: criteria provided, single submitter. Criteria: Quest Diagnostics criteria. Collection method: clinical testing. Allele origin: unknown.

Color Diagnostics, LLC DBA Color Health
Classification: Likely benign for Hereditary cancer-predisposing syndrome. Last evaluated: 2019-07-30. Review status: criteria provided, single submitter. Criteria: ACMG Guidelines, 2015. Collection method: clinical testing. Allele origin: germline.

Ambry Genetics
Classification: Likely benign for Hereditary cancer-predisposing syndrome. Last evaluated: 2016-04-28. Review status: criteria provided, single submitter. Criteria: Ambry Variant Classification Scheme 2023. Collection method: clinical testing. Allele origin: germline.

GeneDx
Classification: Likely benign. Last evaluated: 2015-12-18. Review status: criteria provided, single submitter. Criteria: GeneDx Variant Classification (06012015). Collection method: clinical testing. Allele origin: germline. Affected: yes.
Comment: This variant is considered likely benign or benign based on one or more of the following criteria: it is a conservative change, it occurs at a poorly conserved position in the protein, it is predicted to be benign by multiple in silico algorithms, and/or has population frequency not consistent with disease.

Literature cited by the submitters: PubMed 33471991 (cited by Quest Diagnostics Nichols Institute San Juan Capistrano); PubMed 32467295 (cited by Quest Diagnostics Nichols Institute San Juan Capistrano).